The following is an entry in ClinVar:

NM_004924.6(ACTN4):c.343G>A (p.Ala115Thr)

Gene: ACTN4 (actinin alpha 4; plus strand). Cytogenetic location: 19q13.2.
Variant type: single nucleotide variant.
Coding change: c.343G>A on transcript NM_004924.6 (MANE Select); coding-DNA position 343, G replaced by A.
Protein change: p.Ala115Thr; replaces alanine 115 with threonine.
Molecular consequence: missense variant.
Genome position (GRCh38, 1-based): chr19:38,701,067, G>A. VCF-style: chr19-38701067-G-A. GRCh37 (hg19) VCF-style: chr19-39191707-G-A.
Other names: c.343G>A, p.Ala115Thr (NM_001322033.2); short protein forms A115T.
Identifiers: ClinVar variation 1034610 (VCV001034610.7), dbSNP rs1968257465, ClinGen allele CA405686877.
Genomic context (GRCh38, chr19:38,701,067, plus strand): 5'-CGGTTACCTAAGCCGGAGCGGGGGAAGATGAGAGTGCACAAAATCAACAATGTGAACAAA[G>A]CGCTGGACTTTATTGCCAGCAAAGGCGTCAAGCTGGTCTCCATCGGGGCAGAAGGTGAGC-3'
Protein context (NP_004915.2, residues 105-125): RVHKINNVNK[Ala115Thr]LDFIASKGVK

ClinVar aggregate classification (germline): Uncertain significance (1 of 4 stars; one submission).

Submission:

Labcorp Genetics (formerly Invitae), Labcorp
Classification: Uncertain significance. Last evaluated: 2020-10-24. Review status: criteria provided, single submitter. Criteria: Invitae Variant Classification Sherloc (09022015). Collection method: clinical testing. Allele origin: germline.
Comment: This sequence change replaces alanine with threonine at codon 115 of the ACTN4 protein (p.Ala115Thr). The alanine residue is highly conserved and there is a small physicochemical difference between alanine and threonine. This variant is not present in population databases (ExAC no frequency). In summary, the available evidence is currently insufficient to determine the role of this variant in disease. Therefore, it has been classified as a Variant of Uncertain Significance. Algorithms developed to predict the effect of missense changes on protein structure and function are either unavailable or do not agree on the potential impact of this missense change (SIFT: "Not Available"; PolyPhen-2: "Probably Damaging"; Align-GVGD: "Not Available"). This variant has been observed in individual(s) with focal segmental glomerulosclerosis (Invitae).